The following is an entry in ClinVar:

NM_001024630.4(RUNX2):c.1088-1G>A

Gene: RUNX2 (RUNX family transcription factor 2; plus strand). Cytogenetic location: 6p21.1.
Variant type: single nucleotide variant.
Coding change: c.1088-1G>A on transcript NM_001024630.4 (MANE Select); the canonical splice acceptor site of the intron before coding-DNA position 1088, G replaced by A.
Molecular consequence: splice acceptor variant.
Genome position (GRCh38, 1-based): chr6:45,546,826, G>A. VCF-style: chr6-45546826-G-A. GRCh37 (hg19) VCF-style: chr6-45514563-G-A.
Other names: c.1022-1G>A (NM_001015051.4); c.1046-1G>A (NM_001369405.1); c.980-1G>A (NM_001278478.2).
Identifiers: ClinVar variation 1067899 (VCV001067899.10), dbSNP rs2150453696, ClinGen allele CA363956467.

ClinVar aggregate classification (germline): Likely pathogenic (1 of 4 stars; one submission).

Submission:

Labcorp Genetics (formerly Invitae), Labcorp
Classification: Likely pathogenic. Last evaluated: 2023-05-01. Review status: criteria provided, single submitter. Criteria: Invitae Variant Classification Sherloc (09022015). Collection method: clinical testing. Allele origin: germline.
Comment: This sequence change affects an acceptor splice site in intron 8 of the RUNX2 gene. While this variant is not anticipated to result in nonsense mediated decay, it likely alters RNA splicing and results in a disrupted protein product. In summary, the currently available evidence indicates that the variant is pathogenic, but additional data are needed to prove that conclusively. Therefore, this variant has been classified as Likely Pathogenic. Variants that disrupt the consensus splice site are a relatively common cause of aberrant splicing (PMID: 17576681, 9536098). Algorithms developed to predict the effect of sequence changes on RNA splicing suggest that this variant may disrupt the consensus splice site. ClinVar contains an entry for this variant (Variation ID: 1067899). Disruption of this splice site has been observed in individual(s) with cleidocranial dysplasia (PMID: 16463420). In at least one individual the variant was observed to be de novo. This variant is not present in population databases (gnomAD no frequency).

Literature cited by the submitters: PubMed 17576681; PubMed 9536098; PubMed 16463420.